The following is an entry in ClinVar:

NM_015057.5(MYCBP2):c.7918G>C (p.Asp2640His)

Gene: MYCBP2 (MYC binding protein 2; minus strand). Cytogenetic location: 13q22.3.
Variant type: single nucleotide variant.
Coding change: c.7918G>C on transcript NM_015057.5 (MANE Select); coding-DNA position 7918, G replaced by C.
Protein change: p.Asp2640His; replaces aspartic acid 2640 with histidine.
Molecular consequence: missense variant.
Genome position (GRCh38, 1-based): chr13:77,125,435, C>G on the plus strand (G>C on the coding strand, the complement: MYCBP2 is on the minus strand). VCF-style: chr13-77125435-C-G. GRCh37 (hg19) VCF-style: chr13-77699570-C-G.
Other names: short protein forms D2640H.
Identifiers: ClinVar variation 3361006 (VCV003361006.1).
Genomic context (GRCh38, chr13:77,125,435, plus strand): 5'-TAGCTAAGGACCATGCCTCTCCTTCATCACTCTCACAGAACTCTACCATGCTGTTCTGAT[C>G]CAGTTGCACCCATGTCCCTTCAGAATTGGTTACCTGGTACATAACAAAAAGCATGATTGA-3'
Protein context (NP_055872.4, residues 2630-2650): TNSEGTWVQL[Asp2640His]QNSMVEFCES

ClinVar aggregate classification (germline): Uncertain significance (1 of 4 stars; one submission).

Submission:

GeneDx
Classification: Uncertain significance. Last evaluated: 2023-07-15. Review status: criteria provided, single submitter. Criteria: GeneDx Variant Classification Process June 2021. Collection method: clinical testing. Allele origin: germline. Affected: yes.
Comment: Not observed at significant frequency in large population cohorts (gnomAD); In silico analysis supports that this missense variant has a deleterious effect on protein structure/function; Has not been previously published as pathogenic or benign to our knowledge